The following is an entry in ClinVar:

NM_000135.4(FANCA):c.1004A>C (p.Lys335Thr)

Gene: FANCA (FA complementation group A; minus strand). Cytogenetic location: 16q24.3.
Variant type: single nucleotide variant.
Coding change: c.1004A>C on transcript NM_000135.4 (MANE Select); coding-DNA position 1004, A replaced by C.
Protein change: p.Lys335Thr; replaces lysine 335 with threonine.
Molecular consequence: missense variant.
Genome position (GRCh38, 1-based): chr16:89,795,908, T>G on the plus strand (A>C on the coding strand, the complement: FANCA is on the minus strand). VCF-style: chr16-89795908-T-G. GRCh37 (hg19) VCF-style: chr16-89862316-T-G.
Other names: c.1004A>C (NM_000135.3); c.1004A>C, p.Lys335Thr (NM_001286167.3); short protein forms K335T.
Identifiers: ClinVar variation 1024070 (VCV001024070.11), dbSNP rs752532498, ClinGen allele CA8252597.
Genomic context (GRCh38, chr16:89,795,908, plus strand): 5'-AAGGCAACAGCAATCCCCAAAATGGGTAGCAACTGAGCAGCCTCCACACTGGGCCTACCT[T>G]TCAGCACAGGGCTGTGAGTGAGTATCTGAGTCAGGGTATGACTGAAGAACCTCTTCAGAG-3'
Protein context (NP_000126.2, residues 325-345): TQILTHSPVL[Lys335Thr]ASDAVQMQRE

ClinVar aggregate classification (germline): Conflicting classifications of pathogenicity. Review status: criteria provided, conflicting classifications (1 of 4 stars). 6 submissions from 6 submitters: Uncertain significance (5); Likely benign (1). Last evaluated 2026-08-01.

Conditions:
Fanconi anemia complementation group A (FANCA). Also called: Fanconi anemia, group A; FANCA-Related Fanconi Anemia. Identifiers: Orphanet 84, MedGen C3469521, MONDO:0009215, OMIM 227650.
Fanconi anemia (FA). Also called: Fanconi's anemia. Identifiers: Orphanet 84, MedGen C0015625, MeSH D005199, MONDO:0019391.
Inborn genetic diseases. Identifiers: MedGen C0950123, MeSH D030342.

Allele frequency attached by ClinVar (database versions not stated): gnomAD 0.00002; gnomAD exomes 0.00002 and 0.00003; TOPMed 0.00002; ExAC 0.00002.
gnomAD v4.1: 13 of 1,612,592 alleles (0.00081%); highest among the groups gnomAD compares: Admixed American, 0.018%; no homozygotes.

Submissions (6):

CeGaT Center for Human Genetics Tuebingen
Classification: Likely benign. Last evaluated: 2026-08-01. Review status: criteria provided, single submitter. Criteria: CeGaT Center For Human Genetics Tuebingen Variant Classification Criteria Version 2. Collection method: clinical testing. Allele origin: germline. Affected: yes. Observed: 1 variant allele.
Comment: FANCA: BP4

Quest Diagnostics Nichols Institute San Juan Capistrano
Classification: Uncertain significance. Last evaluated: 2025-08-19. Review status: criteria provided, single submitter. Criteria: Quest Diagnostics criteria. Collection method: clinical testing. Allele origin: unknown.
Comment: The FANCA c.1004A>C (p.Lys335Thr) variant has not been reported in individuals with FANCA-related conditions in the published literature. The frequency of this variant in the general population (Genome Aggregation Database) is uninformative in the assessment of its pathogenicity. Analysis of this variant using bioinformatics tools for the prediction of the effect of amino acid changes on protein structure and function yielded conflicting predictions that this variant is benign or damaging. Based on the available information, we are unable to determine the clinical significance of this variant.

Ambry Genetics
Classification: Uncertain significance for Inborn genetic diseases. Last evaluated: 2025-05-20. Review status: criteria provided, single submitter. Criteria: Ambry Variant Classification Scheme 2023. Collection method: clinical testing. Allele origin: germline.

Blueprint Genetics
Classification: Uncertain significance. Last evaluated: 2023-11-08. Review status: criteria provided, single submitter. Criteria: ACMG Guidelines, 2015. Collection method: clinical testing. Allele origin: germline.

Labcorp Genetics (formerly Invitae), Labcorp
Classification: Uncertain significance for Fanconi anemia. Last evaluated: 2022-10-18. Review status: criteria provided, single submitter. Criteria: Invitae Variant Classification Sherloc (09022015). Collection method: clinical testing. Allele origin: germline.
Comment: This sequence change replaces lysine, which is basic and polar, with threonine, which is neutral and polar, at codon 335 of the FANCA protein (p.Lys335Thr). This variant is present in population databases (rs752532498, gnomAD 0.02%). This variant has not been reported in the literature in individuals affected with FANCA-related conditions. ClinVar contains an entry for this variant (Variation ID: 1024070). Algorithms developed to predict the effect of missense changes on protein structure and function output the following: SIFT: "Tolerated"; PolyPhen-2: "Benign"; Align-GVGD: "Class C0". The threonine amino acid residue is found in multiple mammalian species, which suggests that this missense change does not adversely affect protein function. In summary, the available evidence is currently insufficient to determine the role of this variant in disease. Therefore, it has been classified as a Variant of Uncertain Significance.

Fulgent Genetics
Classification: Uncertain significance for Fanconi anemia complementation group A. Last evaluated: 2022-04-22. Review status: criteria provided, single submitter. Criteria: ACMG Guidelines, 2015. Collection method: clinical testing. Allele origin: unknown.